The following is an entry in ClinVar:

ClinVar aggregate classification (germline): Benign. Review status: criteria provided, multiple submitters, no conflicts (2 of 4 stars). 3 submissions from 3 submitters: Benign (3). Last evaluated 2018-12-24.

Conditions:
Brachydactyly. Also called: Brachydactyly syndrome; Brachydactyly (disease). Identifiers: MedGen C0221357, MONDO:0021004, HP:0001156.

Allele frequency attached by ClinVar (database versions not stated): TOPMed 0.02309; ESP Exome Variant Server 0.02345; 1000 Genomes Project 0.02556; 1000 Genomes Project 30x 0.02577; gnomAD exomes 0.00202 and 0.00510; ExAC 0.00634; gnomAD 0.02157 and 0.02305.
gnomAD v4.1: 6,327 of 1,609,358 alleles (0.39%); highest among the groups gnomAD compares: African/African-American, 7.6%; 216 homozygotes.

Submissions (3):

GeneDx
Classification: Benign. Last evaluated: 2018-12-24. Review status: criteria provided, single submitter. Criteria: GeneDx Variant Classification Process June 2021. Collection method: clinical testing. Allele origin: germline. Affected: yes.

Illumina Laboratory Services, Illumina
Classification: Benign for Brachydactyly. Last evaluated: 2018-01-12. Review status: criteria provided, single submitter. Criteria: ICSL Variant Classification Criteria 13 December 2019. Collection method: clinical testing. Allele origin: germline.
Comment: This variant was observed in the ICSL laboratory as part of a predisposition screen in an ostensibly healthy population. It had not been previously curated by ICSL or reported in the Human Gene Mutation Database (HGMD: prior to June 1st, 2018), and was therefore a candidate for classification through an automated scoring system. Utilizing variant allele frequency, disease prevalence and penetrance estimates, and inheritance mode, an automated score was calculated to assess if this variant is too frequent to cause the disease. Based on the score and internal cut-off values, a variant classified as benign is not then subjected to further curation. The score for this variant resulted in a classification of benign for this disease.

Breakthrough Genomics
Classification: Benign. Review status: criteria provided, single submitter. Criteria: ACMG Guidelines, 2015. Collection method: not provided. Allele origin: germline. Inheritance: Autosomal recessive inheritance. Affected: yes.

NM_001203.3(BMPR1B):c.*49C>T

Gene: BMPR1B (bone morphogenetic protein receptor type 1B; plus strand). Cytogenetic location: 4q22.3.
Variant type: single nucleotide variant.
Coding change: c.*49C>T on transcript NM_001203.3 (MANE Select); 49 bases downstream of the stop codon, C replaced by T.
Molecular consequence: 3 prime UTR variant.
Genome position (GRCh38, 1-based): chr4:95,154,722, C>T. VCF-style: chr4-95154722-C-T. GRCh37 (hg19) VCF-style: chr4-96075873-C-T.
Other names: c.*49C>T (NM_001256792.2, NM_001256793.2, NM_001256794.1).
Identifiers: ClinVar variation 350127 (VCV000350127.9), dbSNP rs6813320, ClinGen allele CA3015280.
Genomic context (GRCh38, chr4:95,154,722, plus strand): 5'-ATTAAACTCTGATAGGAGAGGAAAAGTAAGCATCTCTGCAGAAAGCCAACAGGTACTCTT[C>T]TGTTTGTGGGCAGAGCAAAAGACATCAAATAAGCATCCACAGTACAAGCCTTGAACATCG-3'